The following is an entry in ClinVar:

ClinVar aggregate classification (germline): Likely benign (1 of 4 stars; one submission).

Allele frequency attached by ClinVar (database versions not stated): 1000 Genomes Project 0.00160; 1000 Genomes Project 30x 0.00187; TOPMed 0.00482; gnomAD 0.00490; gnomAD exomes 0.00620.
gnomAD v4.1: 2,276 of 398,646 alleles (0.57%); highest among the groups gnomAD compares: Non-Finnish European, 0.77%; 12 homozygotes.

Submission:

CeGaT Center for Human Genetics Tuebingen
Classification: Likely benign. Last evaluated: 2026-04-01. Review status: criteria provided, single submitter. Criteria: CeGaT Center For Human Genetics Tuebingen Variant Classification Criteria Version 2. Collection method: clinical testing. Allele origin: germline. Affected: yes. Observed: 13 variant alleles.
Comment: CPHXL: BS2

NM_001355613.1(CPHXL):c.635C>A (p.Thr212Lys)

Gene: CPHXL (cytoplasmic polyadenylated homeobox like; minus strand). Cytogenetic location: 16q23.1.
Variant type: single nucleotide variant.
Coding change: c.635C>A on transcript NM_001355613.1 (MANE Select); coding-DNA position 635, C replaced by A.
Protein change: p.Thr212Lys; replaces threonine 212 with lysine.
Molecular consequence: missense variant.
Genome position (GRCh38, 1-based): chr16:75,714,807, G>T on the plus strand (C>A on the coding strand, the complement: CPHXL is on the minus strand). VCF-style: chr16-75714807-G-T. GRCh37 (hg19) VCF-style: chr16-75748705-G-T.
Other names: short protein forms T212K.
Identifiers: ClinVar variation 3239220 (VCV003239220.19), dbSNP rs113944707.
Genomic context (GRCh38, chr16:75,714,807, plus strand): 5'-TGCCCACTTCCTGTGTCACCTCCATACCCCATAGCACAGCCTGGATGCTTTTCAGTGCCT[G>T]TGACCAGATAGGAACTCTGGGAGGCCACCTGTTGACTGGGAATCCCTAGTTTCTCCAGAT-3'
Protein context (NP_001342542.1, residues 202-222): QVASQSSYLV[Thr212Lys]GTEKHPGCAM